The following is an entry in ClinVar:

ClinVar aggregate classification (germline): Benign (0 of 4 stars; one submission).

Conditions:
TLR2-related disorder. Also called: TLR2-related condition.

Allele frequency attached by ClinVar (database versions not stated): gnomAD exomes 0.00046; gnomAD 0.00048; TOPMed 0.00052; ExAC 0.00059; 1000 Genomes Project 0.00060; 1000 Genomes Project 30x 0.00062; ESP Exome Variant Server 0.00100.
gnomAD v4.1: 796 of 1,614,120 alleles (0.049%); highest among the groups gnomAD compares: Middle Eastern, 0.13%; 6 homozygotes.

Submission:

PreventionGenetics, part of Exact Sciences
Classification: Benign for TLR2-related condition. Last evaluated: 2019-05-06. Review status: no assertion criteria provided. Collection method: clinical testing. Allele origin: germline.
Comment: This variant is classified as benign based on ACMG/AMP sequence variant interpretation guidelines (Richards et al. 2015 PMID: 25741868, with internal and published modifications).

NM_001318789.2(TLR2):c.2186A>G (p.Asn729Ser)

Gene: TLR2 (toll like receptor 2; plus strand). Cytogenetic location: 4q31.3.
Variant type: single nucleotide variant.
Coding change: c.2186A>G on transcript NM_001318789.2 (MANE Select); coding-DNA position 2186, A replaced by G.
Protein change: p.Asn729Ser; replaces asparagine 729 with serine.
Molecular consequence: missense variant.
Genome position (GRCh38, 1-based): chr4:153,705,093, A>G. VCF-style: chr4-153705093-A-G. GRCh37 (hg19) VCF-style: chr4-154626245-A-G.
Other names: c.2186A>G, p.Asn729Ser (NM_001318787.2, NM_001318790.2, NM_003264.5 and 4 more transcripts); short protein forms N729S.
Identifiers: ClinVar variation 3041566 (VCV003041566.2), dbSNP rs61735278, ClinGen allele CA3111028.